The following is an entry in ClinVar:

ClinVar aggregate classification (germline): Conflicting classifications of pathogenicity. Review status: criteria provided, conflicting classifications (1 of 4 stars). 7 submissions from 7 submitters: Uncertain significance (1); Likely benign (5). 1 of the submissions does not count toward it. Last evaluated 2025-10-26.

Conditions:
APOB-related disorder. Also called: APOB-related disorders; APOB-related condition.
Hypercholesterolemia, autosomal dominant, type B (FHCL2). Also called: APOLIPOPROTEIN B-100, FAMILIAL DEFECTIVE; APOLIPOPROTEIN B-100, FAMILIAL LIGAND-DEFECTIVE; Familial hypercholesterolemia 2; Hyperlipoproteinemia Type IIb; APOB-Related Familial Hypercholesterolemia, Autosomal Dominant; Familial Hypercholesterolemia Type B. Identifiers: MedGen C1704417, MONDO:0007751, OMIM 144010.
Familial hypobetalipoproteinemia 1. Also called: Hypobetalipoproteinemia, normotriglyceridemic; Acanthocytosis with hypobetalipoproteinemia; APOB-Related Familial Hypobetalipoproteinemia. Identifiers: MedGen C4551990, MONDO:0014252, OMIM 615558.
Cardiovascular phenotype. Identifiers: MedGen CN230736.

Allele frequency attached by ClinVar (database versions not stated): ExAC 0.00002; gnomAD 0.00002 and 0.00003; TOPMed 0.00003.
gnomAD v4.1: 79 of 1,613,506 alleles (0.0049%); highest among the groups gnomAD compares: Non-Finnish European, 0.0064%; no homozygotes.

Submissions (7):

Labcorp Genetics (formerly Invitae), Labcorp
Classification: Likely benign for Familial hypobetalipoproteinemia 1; Hypercholesterolemia, autosomal dominant, type B. Last evaluated: 2025-10-26. Review status: criteria provided, single submitter. Criteria: Invitae Variant Classification Sherloc (09022015). Collection method: clinical testing. Allele origin: germline.

Ambry Genetics
Classification: Likely benign for Cardiovascular phenotype. Last evaluated: 2025-08-14. Review status: criteria provided, single submitter. Criteria: Ambry Variant Classification Scheme 2023. Collection method: clinical testing. Allele origin: germline.

Molecular Diagnostic Laboratory for Inherited Cardiovascular Disease, Montreal Heart Institute
Classification: Likely benign. Last evaluated: 2025-04-08. Review status: criteria provided, single submitter. Criteria: ACMG Guidelines, 2015. Collection method: clinical testing. Allele origin: germline. Affected: no.
Comment: BP4,BP5.

Women's Health and Genetics/Laboratory Corporation of America, LabCorp
Classification: Likely benign. Last evaluated: 2024-09-16. Review status: criteria provided, single submitter. Criteria: LabCorp Variant Classification Summary - May 2015. Collection method: clinical testing. Allele origin: germline.
Comment: Variant summary: APOB c.4181A>G (p.Asp1394Gly) results in a non-conservative amino acid change in the encoded protein sequence. Three of five in-silico tools predict a benign effect of the variant on protein function. The variant allele was found at a frequency of 4.8e-05 in 251388 control chromosomes. The observed variant frequency is approximately 3-fold of the estimated maximal expected allele frequency for a pathogenic variant in APOB causing Early Onset Coronary Artery Disease phenotype (2e-05). To our knowledge, no occurrence of c.4181A>G in individuals affected with Early Onset Coronary Artery Disease and no experimental evidence demonstrating its impact on protein function have been reported. ClinVar contains an entry for this variant (Variation ID: 490395). Based on the evidence outlined above, the variant was classified as likely benign.

Blueprint Genetics
Classification: Likely benign. Last evaluated: 2024-07-09. Review status: criteria provided, single submitter. Criteria: ACMG Guidelines, 2015. Collection method: clinical testing. Allele origin: germline.

Fulgent Genetics
Classification: Uncertain significance for Hypercholesterolemia, autosomal dominant, type B; Familial hypobetalipoproteinemia 1. Last evaluated: 2021-08-04. Review status: criteria provided, single submitter. Criteria: ACMG Guidelines, 2015. Collection method: clinical testing. Allele origin: unknown.

PreventionGenetics, part of Exact Sciences
Classification: Uncertain significance for APOB-related condition. Last evaluated: 2024-04-23. Review status: no assertion criteria provided. Collection method: clinical testing. Allele origin: germline. Not counted in ClinVar's aggregate classification.
Comment: The APOB c.4181A>G variant is predicted to result in the amino acid substitution p.Asp1394Gly. To our knowledge, this variant has not been reported in the literature. This variant is reported in 0.0085% of alleles in individuals of European (Non-Finnish) descent in gnomAD. At this time, the clinical significance of this variant is uncertain due to the absence of conclusive functional and genetic evidence.

NM_000384.3(APOB):c.4181A>G (p.Asp1394Gly)

Gene: APOB (apolipoprotein B; minus strand). Cytogenetic location: 2p24.1.
Variant type: single nucleotide variant.
Coding change: c.4181A>G on transcript NM_000384.3 (MANE Select); coding-DNA position 4181, A replaced by G.
Protein change: p.Asp1394Gly; replaces aspartic acid 1394 with glycine.
Molecular consequence: missense variant.
Genome position (GRCh38, 1-based): chr2:21,013,195, T>C on the plus strand (A>G on the coding strand, the complement: APOB is on the minus strand). VCF-style: chr2-21013195-T-C. GRCh37 (hg19) VCF-style: chr2-21236067-T-C.
Other names: short protein forms D1394G.
Identifiers: ClinVar variation 490395 (VCV000490395.18), dbSNP rs769694008, ClinGen allele CA060640.